The following is an entry in ClinVar:

NM_015909.4(NBAS):c.4000C>T (p.Arg1334Cys)

Gene: NBAS (NBAS subunit of NRZ tethering complex; minus strand). Cytogenetic location: 2p24.3.
Variant type: single nucleotide variant.
Coding change: c.4000C>T on transcript NM_015909.4 (MANE Select); coding-DNA position 4000, C replaced by T.
Protein change: p.Arg1334Cys; replaces arginine 1334 with cysteine.
Molecular consequence: missense variant. On other transcripts: non-coding transcript variant (1).
Genome position (GRCh38, 1-based): chr2:15,353,642, G>A on the plus strand (C>T on the coding strand, the complement: NBAS is on the minus strand). VCF-style: chr2-15353642-G-A. GRCh37 (hg19) VCF-style: chr2-15493766-G-A.
Other names: short protein forms R1334C.
Identifiers: ClinVar variation 1399334 (VCV001399334.4), dbSNP rs142475355, ClinGen allele CA1535822.

ClinVar aggregate classification (germline): Uncertain significance. Review status: criteria provided, multiple submitters, no conflicts (2 of 4 stars). 2 submissions from 2 submitters: Uncertain significance (2). Last evaluated 2022-07-09.

gnomAD v4.1: 32 of 1,613,950 alleles (0.002%); highest among the groups gnomAD compares: Non-Finnish European, 0.0025%; no homozygotes.

Submissions (2):

Labcorp Genetics (formerly Invitae), Labcorp
Classification: Uncertain significance. Last evaluated: 2022-07-09. Review status: criteria provided, single submitter. Criteria: Invitae Variant Classification Sherloc (09022015). Collection method: clinical testing. Allele origin: germline.
Comment: This sequence change replaces arginine, which is basic and polar, with cysteine, which is neutral and slightly polar, at codon 1334 of the NBAS protein (p.Arg1334Cys). This variant is present in population databases (rs142475355, gnomAD 0.003%). This variant has not been reported in the literature in individuals affected with NBAS-related conditions. ClinVar contains an entry for this variant (Variation ID: 1399334). Algorithms developed to predict the effect of missense changes on protein structure and function are either unavailable or do not agree on the potential impact of this missense change (SIFT: "Deleterious"; PolyPhen-2: "Benign"; Align-GVGD: "Class C65"). Algorithms developed to predict the effect of sequence changes on RNA splicing suggest that this variant may disrupt the consensus splice site. In summary, the available evidence is currently insufficient to determine the role of this variant in disease. Therefore, it has been classified as a Variant of Uncertain Significance.

Breakthrough Genomics
Classification: Uncertain significance. Review status: criteria provided, single submitter. Criteria: ACMG Guidelines, 2015. Collection method: not provided. Allele origin: germline. Inheritance: Autosomal recessive inheritance. Affected: yes.